The following is an entry in ClinVar:

NM_000038.6(APC):c.1063C>G (p.Leu355Val)

Gene: APC (APC regulator of Wnt signaling pathway; plus strand). Cytogenetic location: 5q22.2.
Variant type: single nucleotide variant.
Coding change: c.1063C>G on transcript NM_000038.6 (MANE Select); coding-DNA position 1063, C replaced by G.
Protein change: p.Leu355Val; replaces leucine 355 with valine.
Molecular consequence: missense variant. On other transcripts: non-coding transcript variant (2), intron variant (15).
Genome position (GRCh38, 1-based): chr5:112,819,095, C>G. VCF-style: chr5-112819095-C-G. GRCh37 (hg19) VCF-style: chr5-112154792-C-G.
Other names: c.1063C>G, p.Leu355Val (NM_001127510.3, NM_001354895.2, NM_001354896.2 and 4 more transcripts); c.1009C>G, p.Leu337Val (NM_001127511.3); c.1093C>G, p.Leu365Val (NM_001354897.2, NM_001407446.1); c.988C>G, p.Leu330Val (NM_001354898.2, NM_001407451.1); c.979C>G, p.Leu327Val (NM_001354899.2, NM_001407452.1); c.886C>G, p.Leu296Val (NM_001354900.2, NM_001354901.2, NM_001407453.1); c.214C>G, p.Leu72Val (NM_001354906.2, NM_001407470.1); c.85-174C>G (NM_001407472.1, NM_001407471.1); and 6 more; short protein forms L296V, L327V, L330V, L337V, L355V, L365V, L72V.
Identifiers: ClinVar variation 3239774 (VCV003239774.4), dbSNP rs1245031735.
Genomic context (GRCh38, chr5:112,819,095, plus strand): 5'-CTAGCTATGTCTAGCTCCCAAGACAGCTGTATATCCATGCGACAGTCTGGATGTCTTCCT[C>G]TCCTCATCCAGCTTTTACATGGCAATGACAAAGACTCTGTATTGTTGGGAAATTCCCGGG-3'
Protein context (NP_000029.2, residues 345-365): ISMRQSGCLP[Leu355Val]LIQLLHGNDK

ClinVar aggregate classification (germline): Uncertain significance. Review status: criteria provided, multiple submitters, no conflicts (2 of 4 stars). 4 submissions from 4 submitters: Uncertain significance (4). Last evaluated 2025-11-05.

Conditions:
Familial adenomatous polyposis 1 (FAP1). Also called: POLYPOSIS, ADENOMATOUS INTESTINAL; FAMILIAL ADENOMATOUS POLYPOSIS 1, ATTENUATED. Identifiers: MedGen C2713442, MONDO:0021056, OMIM 175100. Disease mechanism: loss of function.
Classic or attenuated familial adenomatous polyposis. Identifiers: MedGen CN372698, MONDO:0021057.
Hereditary cancer-predisposing syndrome. Also called: Neoplastic Syndromes, Hereditary; Tumor predisposition; Hereditary neoplastic syndrome; Hereditary Cancer Syndrome. Identifiers: Orphanet 140162, MedGen C0027672, MeSH D009386, MONDO:0015356.

Allele frequency attached by ClinVar (database versions not stated): TOPMed below 0.00001.

Submissions (4):

Labcorp Genetics (formerly Invitae), Labcorp
Classification: Uncertain significance for Familial adenomatous polyposis 1. Last evaluated: 2025-11-05. Review status: criteria provided, single submitter. Criteria: Invitae Variant Classification Sherloc (09022015). Collection method: clinical testing. Allele origin: germline.
Comment: This sequence change replaces leucine, which is neutral and non-polar, with valine, which is neutral and non-polar, at codon 355 of the APC protein (p.Leu355Val). This variant is not present in population databases (gnomAD no frequency). This variant has not been reported in the literature in individuals affected with APC-related conditions. ClinVar contains an entry for this variant (Variation ID: 3239774). Invitae Evidence Modeling of protein sequence and biophysical properties (such as structural, functional, and spatial information, amino acid conservation, physicochemical variation, residue mobility, and thermodynamic stability) indicates that this missense variant is not expected to disrupt APC protein function with a negative predictive value of 95%. In summary, the available evidence is currently insufficient to determine the role of this variant in disease. Therefore, it has been classified as a Variant of Uncertain Significance.

All of Us Research Program, National Institutes of Health
Classification: Uncertain significance for Classic or attenuated familial adenomatous polyposis. Last evaluated: 2024-05-14. Review status: criteria provided, single submitter. Criteria: ACMG Guidelines, 2015. Collection method: clinical testing. Allele origin: germline. Inheritance: Autosomal dominant inheritance. Observed: 1 variant allele, 1 heterozygote.
Comment: This missense variant replaces leucine with valine at codon 355 of the APC protein. Computational prediction suggests that this variant may not impact protein structure and function (internally defined REVEL score threshold <= 0.5, PMID: 27666373). To our knowledge, functional studies have not been reported for this variant. This variant has not been reported in individuals affected with APC-related disorders in the literature. This variant has not been identified in the general population by the Genome Aggregation Database (gnomAD). The available evidence is insufficient to determine the role of this variant in disease conclusively. Therefore, this variant is classified as a Variant of Uncertain Significance.

This study involves interpretation of variants in research participants for the purpose of population health screening. Participant phenotype was not available at the time of variant classification. Additional details can be found in publication PMID: 35346344, PMCID: PMC8962531

Ambry Genetics
Classification: Uncertain significance for Hereditary cancer-predisposing syndrome. Last evaluated: 2024-04-09. Review status: criteria provided, single submitter. Criteria: Ambry Variant Classification Scheme 2023. Collection method: clinical testing. Allele origin: germline.
Comment: The p.L355V variant (also known as c.1063C>G), located in coding exon 9 of the APC gene, results from a C to G substitution at nucleotide position 1063. The leucine at codon 355 is replaced by valine, an amino acid with highly similar properties. This amino acid position is conserved. In addition, in silico predictors for this gene do not accurately predict pathogenicity. Based on the available evidence, the clinical significance of this variant remains unclear.

Baylor Genetics
Classification: Uncertain significance for Familial adenomatous polyposis 1. Last evaluated: 2024-03-27. Review status: criteria provided, single submitter. Criteria: ACMG Guidelines, 2015. Collection method: clinical testing. Allele origin: unknown.